The following is an entry in ClinVar:

NM_000540.3(RYR1):c.10383G>C (p.Gln3461His)

Gene: RYR1 (ryanodine receptor 1; plus strand). Cytogenetic location: 19q13.2.
Variant type: single nucleotide variant.
Coding change: c.10383G>C on transcript NM_000540.3 (MANE Select); coding-DNA position 10383, G replaced by C.
Protein change: p.Gln3461His; replaces glutamine 3461 with histidine.
Molecular consequence: missense variant.
Genome position (GRCh38, 1-based): chr19:38,523,252, G>C. VCF-style: chr19-38523252-G-C. GRCh37 (hg19) VCF-style: chr19-39013892-G-C.
Other names: c.10383G>C, p.Gln3461His (NM_001042723.2); c.10383G>C (NM_000540.2); short protein forms Q3461H.
Identifiers: ClinVar variation 1001514 (VCV001001514.11), dbSNP rs1159315581, ClinGen allele CA405699599.

ClinVar aggregate classification (germline): Uncertain significance. Review status: criteria provided, multiple submitters, no conflicts (2 of 4 stars). 2 submissions from 2 submitters: Uncertain significance (2). Last evaluated 2022-06-20.

Conditions:
RYR1-related disorder. Also called: RYR1-related condition; RYR1-related disorders. Identifiers: MedGen CN239331.

Allele frequency attached by ClinVar (database versions not stated): gnomAD 0.00001.
gnomAD v4.1: 2 of 1,614,076 alleles (0.00012%); highest among the groups gnomAD compares: African/African-American, 0.0013%; no homozygotes.

Submissions (2):

Labcorp Genetics (formerly Invitae), Labcorp
Classification: Uncertain significance for RYR1-related disorder. Last evaluated: 2022-06-20. Review status: criteria provided, single submitter. Criteria: Invitae Variant Classification Sherloc (09022015). Collection method: clinical testing. Allele origin: germline.
Comment: ClinVar contains an entry for this variant (Variation ID: 1001514). This sequence change replaces glutamine, which is neutral and polar, with histidine, which is basic and polar, at codon 3461 of the RYR1 protein (p.Gln3461His). This variant is not present in population databases (gnomAD no frequency). This variant has not been reported in the literature in individuals affected with RYR1-related conditions. Algorithms developed to predict the effect of missense changes on protein structure and function are either unavailable or do not agree on the potential impact of this missense change (SIFT: "Deleterious"; PolyPhen-2: "Benign"; Align-GVGD: "Class C0"). In summary, the available evidence is currently insufficient to determine the role of this variant in disease. Therefore, it has been classified as a Variant of Uncertain Significance.

Revvity Omics, Revvity
Classification: Uncertain significance. Last evaluated: 2020-09-10. Review status: criteria provided, single submitter. Criteria: ACMG Guidelines, 2015. Collection method: clinical testing. Allele origin: germline.